The following is an entry in ClinVar:

ClinVar aggregate classification (germline): Likely pathogenic (1 of 4 stars; one submission).

Conditions:
Neuronal ceroid lipofuscinosis 8 (CLN8). Also called: CLN8-Related Neuronal Ceroid-Lipofuscinosis. Identifiers: Orphanet 168491, Orphanet 228354, Orphanet 79264, MedGen C1838570, MONDO:0010830, OMIM 600143.

Submission:

Human Genome Lab, NIMHANS, National Institute of Mental Health and Neuro Sciences
Classification: Likely pathogenic for Neuronal ceroid lipofuscinosis 8. Review status: criteria provided, single submitter. Criteria: ACMG Guidelines, 2015. Collection method: clinical testing. Allele origin: de novo. Inheritance: Autosomal recessive inheritance. Affected: yes. Observed: 1 homozygote.
Comment: The missense variant NM_018941.4:c.607T>C has not been reported previously as a pathogenic variant nor as a benign variant, to our knowledge. The NP_061764.2: p.Cys203Arg variant is novel (not in any individuals) in 1000 Genomes, in gnomAD as well as in our inhpouse database. There is a large physicochemical difference between cysteine and arginine, which is likely to impact secondary protein structure as these residues differ in polarity, charge, size and/or other properties. 4 variants within 6 amino acid positions of the variant p.Cys203Arg have been shown to be pathogenic, while none have been shown to be benign. The p.Cys203Arg missense variant is predicted to be damaging by both SIFT and PolyPhen2. The nucleotide c.607 in CLN8 is predicted conserved by GERP++ and PhyloP across 100 vertebrates. In addition, the patient's clinical phenotype matches with that of the disorder caused by pathogenic variants in CLN8 gene. For these reasons, this variant has been classified as Likely Pathogenic (PM2 PM1 PP3 PP4_Moderate PP1).

NM_018941.4(CLN8):c.607T>C (p.Cys203Arg)

Gene: CLN8 (CLN8 transmembrane ER and ERGIC protein; plus strand). Cytogenetic location: 8p23.3.
Variant type: single nucleotide variant.
Coding change: c.607T>C on transcript NM_018941.4 (MANE Select); coding-DNA position 607, T replaced by C.
Protein change: p.Cys203Arg; replaces cysteine 203 with arginine.
Molecular consequence: missense variant.
Genome position (GRCh38, 1-based): chr8:1,780,313, T>C. VCF-style: chr8-1780313-T-C. GRCh37 (hg19) VCF-style: chr8-1728479-T-C.
Other names: short protein forms C203R.
Identifiers: ClinVar variation 2627629 (VCV002627629.2), dbSNP rs2486488805, ClinGen allele CA369953944.